The following is an entry in ClinVar:

ClinVar aggregate classification (germline): Uncertain significance (1 of 4 stars; one submission).

Conditions:
Familial focal epilepsy with variable foci (FPEVF). Identifiers: Orphanet 98820, MedGen C1858477, MONDO:0020310.

Submission:

Labcorp Genetics (formerly Invitae), Labcorp
Classification: Uncertain significance for Familial focal epilepsy with variable foci. Last evaluated: 2021-09-15. Review status: criteria provided, single submitter. Criteria: Invitae Variant Classification Sherloc (09022015). Collection method: clinical testing. Allele origin: germline.
Comment: This sequence change results in a frameshift in the DEPDC5 gene (p.Cys1580Alafs*52). While this is not anticipated to result in nonsense mediated decay, it is expected to disrupt the last 24 amino acid(s) of the DEPDC5 protein and extend the protein by 27 additional amino acid residues. This variant is not present in population databases (ExAC no frequency). This variant has not been reported in the literature in individuals with DEPDC5-related conditions. Experimental studies and prediction algorithms are not available or were not evaluated, and the functional significance of this variant is currently unknown. In summary, the available evidence is currently insufficient to determine the role of this variant in disease. Therefore, it has been classified as a Variant of Uncertain Significance.

NM_001242896.3(DEPDC5):c.4737del (p.Cys1580fs)

Gene: DEPDC5 (DEP domain containing 5, GATOR1 subcomplex subunit; plus strand). Cytogenetic location: 22q12.3.
Variant type: Deletion.
Coding change: c.4737del on transcript NM_001242896.3 (MANE Select); coding-DNA position 4737, one base deleted (C; older notation c.4737delC).
Protein change: p.Cys1580fs; shifts the reading frame from cysteine 1580.
Molecular consequence: frameshift variant. On other transcripts: non-coding transcript variant (5).
Genome position (GRCh38, 1-based): chr22:31,906,422, C deleted. VCF-style (leftmost placement, unchanged base first): chr22-31906421-TC-T. GRCh37 (hg19) VCF-style: chr22-32302407-TC-T.
Other names: c.4710del, p.Cys1571fs (NM_001136029.4); c.4437del, p.Cys1480fs (NM_001242897.2); c.4671del, p.Cys1558fs (NM_001363852.2, NM_001364320.2); c.4503del, p.Cys1502fs (NM_001363854.2, NM_001364319.2); c.4737del, p.Cys1580fs (NM_001364318.2); c.4653del, p.Cys1552fs (NM_001369901.1, NM_001369902.1); c.4644del, p.Cys1549fs (NM_001369903.1, NM_014662.6); short protein forms C1549fs, C1552fs, C1558fs, C1580fs, C1480fs, C1502fs, C1571fs.
Identifiers: ClinVar variation 1351257 (VCV001351257.6), dbSNP rs2149449891, ClinGen allele CA2573158062.